The following is an entry in ClinVar:

ClinVar aggregate classification (germline): Benign. Review status: criteria provided, multiple submitters, no conflicts (2 of 4 stars). 4 submissions from 4 submitters: Benign (4). Last evaluated 2026-02-04.

Conditions:
Donnai-Barrow syndrome. Also called: DBS/FOAR SYNDROME; FACIOOCULOACOUSTICORENAL SYNDROME. Identifiers: Orphanet 2143, MedGen C1857277, MONDO:0009104, OMIM 222448.

Allele frequency attached by ClinVar (database versions not stated): ExAC 0.00451; ESP Exome Variant Server 0.01276; gnomAD 0.01311 and 0.01399; TOPMed 0.01447; 1000 Genomes Project 0.01957; 1000 Genomes Project 30x 0.02030.
gnomAD v4.1: 3,895 of 1,613,628 alleles (0.24%); highest among the groups gnomAD compares: African/African-American, 4.5%; 70 homozygotes.

Submissions (4):

Labcorp Genetics (formerly Invitae), Labcorp
Classification: Benign. Last evaluated: 2026-02-04. Review status: criteria provided, single submitter. Criteria: Invitae Variant Classification Sherloc (09022015). Collection method: clinical testing. Allele origin: germline.

Genome-Nilou Lab
Classification: Benign for Donnai-Barrow syndrome. Last evaluated: 2021-07-15. Review status: criteria provided, single submitter. Criteria: ACMG Guidelines, 2015. Collection method: clinical testing. Allele origin: germline. Affected: no.

Illumina Laboratory Services, Illumina
Classification: Benign for Donnai-Barrow syndrome. Last evaluated: 2018-01-12. Review status: criteria provided, single submitter. Criteria: ICSL Variant Classification Criteria 13 December 2019. Collection method: clinical testing. Allele origin: germline.
Comment: This variant was observed in the ICSL laboratory as part of a predisposition screen in an ostensibly healthy population. It had not been previously curated by ICSL or reported in the Human Gene Mutation Database (HGMD: prior to June 1st, 2018), and was therefore a candidate for classification through an automated scoring system. Utilizing variant allele frequency, disease prevalence and penetrance estimates, and inheritance mode, an automated score was calculated to assess if this variant is too frequent to cause the disease. Based on the score and internal cut-off values, a variant classified as benign is not then subjected to further curation. The score for this variant resulted in a classification of benign for this disease.

Breakthrough Genomics
Classification: Benign. Review status: criteria provided, single submitter. Criteria: ACMG Guidelines, 2015. Collection method: not provided. Allele origin: germline. Inheritance: Autosomal recessive inheritance. Affected: yes.

NM_004525.3(LRP2):c.5702C>G (p.Ala1901Gly)

Gene: LRP2 (LDL receptor related protein 2; minus strand). Cytogenetic location: 2q31.1.
Variant type: single nucleotide variant.
Coding change: c.5702C>G on transcript NM_004525.3 (MANE Select); coding-DNA position 5702, C replaced by G.
Protein change: p.Ala1901Gly; replaces alanine 1901 with glycine.
Molecular consequence: missense variant.
Genome position (GRCh38, 1-based): chr2:169,216,377, G>C on the plus strand (C>G on the coding strand, the complement: LRP2 is on the minus strand). VCF-style: chr2-169216377-G-C. GRCh37 (hg19) VCF-style: chr2-170072887-G-C.
Other names: short protein forms A1901G.
Identifiers: ClinVar variation 332156 (VCV000332156.18), dbSNP rs61995913, ClinGen allele CA1954457.